The following is an entry in ClinVar:

NM_003659.4(AGPS):c.1204G>A (p.Val402Ile)

Gene: AGPS (alkylglycerone phosphate synthase; plus strand). Cytogenetic location: 2q31.2.
Variant type: single nucleotide variant.
Coding change: c.1204G>A on transcript NM_003659.4 (MANE Select); coding-DNA position 1204, G replaced by A.
Protein change: p.Val402Ile; replaces valine 402 with isoleucine.
Molecular consequence: missense variant.
Genome position (GRCh38, 1-based): chr2:177,482,157, G>A. VCF-style: chr2-177482157-G-A. GRCh37 (hg19) VCF-style: chr2-178346885-G-A.
Other names: c.1204G>A (NM_003659.3); short protein forms V402I.
Identifiers: ClinVar variation 2075066 (VCV002075066.4), dbSNP rs201282509, ClinGen allele CA1980240.

ClinVar aggregate classification (germline): Conflicting classifications of pathogenicity. Review status: criteria provided, conflicting classifications (1 of 4 stars). 3 submissions from 3 submitters: Uncertain significance (2); Likely benign (1). Last evaluated 2024-10-22.

Conditions:
Inborn genetic diseases. Identifiers: MedGen C0950123, MeSH D030342.
Rhizomelic chondrodysplasia punctata type 3 (RCDP3). Also called: ALKYLDIHYDROXYACETONEPHOSPHATE SYNTHASE DEFICIENCY; Alkylglycerone Phosphate Synthase (AGPS) deficiency. Identifiers: Orphanet 177, Orphanet 309803, MedGen C1838612, MONDO:0010823, OMIM 600121. Disease mechanism: loss of function.

Allele frequency attached by ClinVar (database versions not stated): gnomAD 0.00005; gnomAD exomes 0.00005; ExAC 0.00007; ESP Exome Variant Server 0.00008; TOPMed 0.00011; 1000 Genomes Project 30x 0.00016; 1000 Genomes Project 0.00020.
gnomAD v4.1: 85 of 1,599,900 alleles (0.0053%); highest among the groups gnomAD compares: Middle Eastern, 0.067%; no homozygotes.

Submissions (3):

ARUP Laboratories, Molecular Genetics and Genomics, ARUP Laboratories
Classification: Likely benign for Rhizomelic chondrodysplasia punctata type 3. Last evaluated: 2024-10-22. Review status: criteria provided, single submitter. Criteria: ARUP Molecular Germline Variant Investigation Process 2024. Collection method: clinical testing. Allele origin: germline.

Ambry Genetics
Classification: Uncertain significance for Inborn genetic diseases. Last evaluated: 2024-08-05. Review status: criteria provided, single submitter. Criteria: Ambry Variant Classification Scheme 2023. Collection method: clinical testing. Allele origin: germline.

Labcorp Genetics (formerly Invitae), Labcorp
Classification: Uncertain significance. Last evaluated: 2024-07-08. Review status: criteria provided, single submitter. Criteria: Invitae Variant Classification Sherloc (09022015). Collection method: clinical testing. Allele origin: germline.
Comment: This sequence change replaces valine, which is neutral and non-polar, with isoleucine, which is neutral and non-polar, at codon 402 of the AGPS protein (p.Val402Ile). This variant is present in population databases (rs201282509, gnomAD 0.04%). This variant has not been reported in the literature in individuals affected with AGPS-related conditions. ClinVar contains an entry for this variant (Variation ID: 2075066). Advanced modeling of protein sequence and biophysical properties (such as structural, functional, and spatial information, amino acid conservation, physicochemical variation, residue mobility, and thermodynamic stability) performed at Invitae indicates that this missense variant is not expected to disrupt AGPS protein function with a negative predictive value of 80%. In summary, the available evidence is currently insufficient to determine the role of this variant in disease. Therefore, it has been classified as a Variant of Uncertain Significance.